The following is an entry in ClinVar:

NM_000834.5(GRIN2B):c.3751C>T (p.Leu1251=)

Gene: GRIN2B (glutamate ionotropic receptor NMDA type subunit 2B; minus strand). Cytogenetic location: 12p13.1.
Variant type: single nucleotide variant.
Coding change: c.3751C>T on transcript NM_000834.5 (MANE Select); coding-DNA position 3751, C replaced by T.
Protein change: p.Leu1251=; no amino-acid change (leucine 1251 retained).
Molecular consequence: synonymous variant.
Genome position (GRCh38, 1-based): chr12:13,563,487, G>A on the plus strand (C>T on the coding strand, the complement: GRIN2B is on the minus strand). VCF-style: chr12-13563487-G-A. GRCh37 (hg19) VCF-style: chr12-13716421-G-A.
Identifiers: ClinVar variation 388527 (VCV000388527.10), dbSNP rs200186058, ClinGen allele CA16607178.

ClinVar aggregate classification (germline): Likely benign. Review status: criteria provided, multiple submitters, no conflicts (2 of 4 stars). 2 submissions from 2 submitters: Likely benign (2). Last evaluated 2022-09-07.

Conditions:
Intellectual developmental disorder, autosomal dominant 6, with or without seizures. Also called: GRIN2B-related developmental delay, intellectual disability and autism spectrum disorder; Intellectual disability, autosomal dominant 6. Identifiers: Orphanet 589547, MedGen C3151411, MONDO:0013509, OMIM 613970.
Developmental and epileptic encephalopathy, 27 (DEE27). Also called: Epileptic encephalopathy, early infantile, 27; GRIN2B-Related Neurodevelopmental Disorder. Identifiers: Orphanet 3451, MedGen C4015316, MONDO:0014505, OMIM 616139.

Allele frequency attached by ClinVar (database versions not stated): TOPMed 0.00001.
gnomAD v4.1: 3 of 1,614,174 alleles (0.00019%); highest among the groups gnomAD compares: African/African-American, 0.0013%; no homozygotes.

Submissions (2):

Labcorp Genetics (formerly Invitae), Labcorp
Classification: Likely benign for Developmental and epileptic encephalopathy, 27; Intellectual developmental disorder, autosomal dominant 6, with or without seizures. Last evaluated: 2022-09-07. Review status: criteria provided, single submitter. Criteria: Invitae Variant Classification Sherloc (09022015). Collection method: clinical testing. Allele origin: germline.

GeneDx
Classification: Likely benign. Last evaluated: 2016-08-15. Review status: criteria provided, single submitter. Criteria: GeneDx Variant Classification (06012015). Collection method: clinical testing. Allele origin: germline. Affected: yes.
Comment: This variant is considered likely benign or benign based on one or more of the following criteria: it is a conservative change, it occurs at a poorly conserved position in the protein, it is predicted to be benign by multiple in silico algorithms, and/or has population frequency not consistent with disease.